The following is an entry in ClinVar:

ClinVar aggregate classification (germline): Pathogenic (1 of 4 stars; one submission).

Conditions:
Hyperlipoproteinemia, type I. Also called: Familial hyperlipo-proteinemia type 1; Hyperlipemia essential familial; HYPERLIPOPROTEINEMIA, TYPE IA; LPL DEFICIENCY; Lipase D deficiency; Familial Lipoprotein Lipase Deficiency. Identifiers: Orphanet 309015, Orphanet 444490, MedGen C0023817, MONDO:0009387, OMIM 238600. Disease mechanism: loss of function.

gnomAD v4.1: 1 of 1,614,168 alleles (0.000062%); highest among the groups gnomAD compares: Non-Finnish European, 0.000085%; no homozygotes.

Submission:

Women's Health and Genetics/Laboratory Corporation of America, LabCorp
Classification: Pathogenic for Hyperlipoproteinemia, type I. Last evaluated: 2025-04-21. Review status: criteria provided, single submitter. Criteria: LabCorp Variant Classification Summary - May 2015. Collection method: clinical testing. Allele origin: germline.
Comment: Variant summary: LPL c.660C>G (p.Ser220Arg), also reported as "S193R", results in a non-conservative amino acid change in the encoded protein sequence. Four of four in-silico tools predict a damaging effect of the variant on protein function. The variant was absent in 251462 control chromosomes. c.660C>G has been observed in the presumed or confirmed compound heterozygous state in multiple individual(s) affected with autosomal recessive Familial Lipoprotein Lipase Deficiency (example, Mailly_1997, Nierman_2006), including at least 1 family where it segregated with disease in trans with a pathogenic variant. These data indicate that the variant is likely to be associated with disease. At least one publication reports experimental evidence evaluating an impact on protein function. The most pronounced effect of this missense change results in <10% of normal activity in vitro (Mailly_1997, Caddeo_2018). The following publications have been ascertained in the context of this evaluation (PMID: 9401010, 16972177, 29288010). No submitters have cited clinical-significance assessments for this variant to ClinVar. Based on the evidence outlined above, the variant was classified as pathogenic.

Literature cited by the submitters: PubMed 29288010; PubMed 9401010; PubMed 16972177.

NM_000237.3(LPL):c.660C>G (p.Ser220Arg)

Gene: LPL (lipoprotein lipase; plus strand). Cytogenetic location: 8p21.3.
Variant type: single nucleotide variant.
Coding change: c.660C>G on transcript NM_000237.3 (MANE Select); coding-DNA position 660, C replaced by G.
Protein change: p.Ser220Arg; replaces serine 220 with arginine.
Molecular consequence: missense variant.
Genome position (GRCh38, 1-based): chr8:19,954,238, C>G. VCF-style: chr8-19954238-C-G. GRCh37 (hg19) VCF-style: chr8-19811749-C-G.
Other names: short protein forms S220R.
Identifiers: ClinVar variation 3896141 (VCV003896141.2).
Genomic context (GRCh38, chr8:19,954,238, plus strand): 5'-TGATGATGCAGATTTTGTAGACGTCTTACACACATTCACCAGAGGGTCCCCTGGTCGAAG[C>G]ATTGGAATCCAGAAACCAGTTGGGCATGTTGACATTTACCCGAATGGAGGTACTTTTCAG-3'
Protein context (NP_000228.1, residues 210-230): HTFTRGSPGR[Ser220Arg]IGIQKPVGHV